The following is an entry in ClinVar:

ClinVar aggregate classification (germline): Uncertain significance (1 of 4 stars; one submission).

Conditions:
Bethlem myopathy 2 (BTHLM2). Identifiers: Orphanet 536516, Orphanet 610, MedGen C4225313, MONDO:0034022, OMIM 616471.

Submission:

Victorian Clinical Genetics Services, Murdoch Childrens Research Institute
Classification: Uncertain significance for Bethlem myopathy 2. Last evaluated: 2022-06-24. Review status: criteria provided, single submitter. Criteria: ACMG Guidelines, 2015. Collection method: clinical testing. Allele origin: germline. Inheritance: Autosomal dominant inheritance. Affected: yes.
Comment: Based on the classification scheme VCGS_Germline_v1.3.4, this variant is classified as VUS-3A. Following criteria are met: 0104 - Dominant negative is a known mechanism of disease in this gene for glycine substitutions and is associated with Bethlem myopathy (MIM#616471; PMID: 24334769). Loss of function (LoF) is suspected to be the mechanism of disease for autosomal recessive Ullrich congenital muscular dystrophy 2 (MIM#616470) but currently only two individuals with biallelic PTC variants have been described in the literature (PMIDs: 28973083, 24334604). Many other PTC variants have been classified as pathogenic or likely pathogenic by clinical laboratories in ClinVar but currently evidence for LoF variants causing dominant disease is limited (PMID: 31273343). (I) 0108 - This gene is associated with both recessive and dominant disease (OMIM). (I) 0200 - Variant is predicted to result in a missense amino acid change from glutamic acid to aspartic acid. (I) 0251 - This variant is heterozygous. (I) 0301 - Variant is absent from gnomAD (both v2 and v3). (SP) 0503 - Missense variant consistently predicted to be tolerated by multiple in silico tools or not conserved in placental mammals with a minor amino acid change. (SB) 0600 - Variant is located in the annotated Fibronectin type-III 9 domain (Uniprot). (I) 0705 - No comparable missense variants have previous evidence for pathogenicity. (I) 0807 - This variant has no previous evidence of pathogenicity. (I) 0905 - No published segregation evidence has been identified for this variant. (I) 1007 - No published functional evidence has been identified for this variant. (SP) Legend: (SP) - Supporting pathogenic, (I) - Information, (SB) - Supporting benign

Literature cited by the submitters: PubMed 24334604; PubMed 24334769; PubMed 28973083; PubMed 31273343.

NM_004370.6(COL12A1):c.4410A>T (p.Glu1470Asp)

Genes: COL12A1 (collagen type XII alpha 1 chain; minus strand), LOC129996730 (ATAC-STARR-seq lymphoblastoid active region 24756; plus strand). Cytogenetic location: 6q13.
Variant type: single nucleotide variant.
Coding change: c.4410A>T on transcript NM_004370.6 (MANE Select); coding-DNA position 4410, A replaced by T.
Protein change: p.Glu1470Asp; replaces glutamic acid 1470 with aspartic acid.
Molecular consequence: missense variant.
Genome position (GRCh38, 1-based): chr6:75,147,682, T>A on the plus strand (A>T on the coding strand, the complement: COL12A1 is on the minus strand). VCF-style: chr6-75147682-T-A. GRCh37 (hg19) VCF-style: chr6-75857398-T-A.
Other names: c.4410A>T, p.Glu1470Asp (NM_001424113.1, NM_001424114.1); c.4137A>T, p.Glu1379Asp (NM_001424115.1); c.918A>T, p.Glu306Asp (NM_001424116.1, NM_080645.3); short protein forms E1379D, E1470D, E306D.
Identifiers: ClinVar variation 3377520 (VCV003377520.1).